The following is an entry in ClinVar:

ClinVar aggregate classification (germline): Conflicting classifications of pathogenicity. Review status: criteria provided, conflicting classifications (1 of 4 stars). 2 submissions from 2 submitters: Likely pathogenic (1); Uncertain significance (1). Last evaluated 2023-05-28.

Allele frequency attached by ClinVar (database versions not stated): gnomAD exomes below 0.00001; TOPMed below 0.00001; ExAC 0.00001; ESP Exome Variant Server 0.00008.

Submissions (2):

Labcorp Genetics (formerly Invitae), Labcorp
Classification: Likely pathogenic. Last evaluated: 2023-05-28. Review status: criteria provided, single submitter. Criteria: Invitae Variant Classification Sherloc (09022015). Collection method: clinical testing. Allele origin: germline.
Comment: In summary, the currently available evidence indicates that the variant is pathogenic, but additional data are needed to prove that conclusively. Therefore, this variant has been classified as Likely Pathogenic. This variant disrupts the p.Asn11 amino acid residue in BEST1. Other variant(s) that disrupt this residue have been observed in individuals with BEST1-related conditions (PMID: 14517959, 32111077; Invitae), which suggests that this may be a clinically significant amino acid residue. Advanced modeling of protein sequence and biophysical properties (such as structural, functional, and spatial information, amino acid conservation, physicochemical variation, residue mobility, and thermodynamic stability) performed at Invitae indicates that this missense variant is expected to disrupt BEST1 protein function. ClinVar contains an entry for this variant (Variation ID: 1492954). This missense change has been observed in individual(s) with autosomal dominant Best disease (Invitae). This variant is present in population databases (rs281865208, gnomAD 0.0009%). This sequence change replaces asparagine, which is neutral and polar, with serine, which is neutral and polar, at codon 11 of the BEST1 protein (p.Asn11Ser).

Blueprint Genetics
Classification: Uncertain significance. Last evaluated: 2020-10-21. Review status: criteria provided, single submitter. Criteria: ACMG Guidelines, 2015. Collection method: clinical testing. Allele origin: germline.

Literature cited by the submitters: PubMed 14517959 (cited by Labcorp Genetics (formerly Invitae), Labcorp); PubMed 32111077 (cited by Labcorp Genetics (formerly Invitae), Labcorp).

NM_004183.4(BEST1):c.32A>G (p.Asn11Ser)

Gene: BEST1 (bestrophin 1; plus strand). Cytogenetic location: 11q12.3.
Variant type: single nucleotide variant.
Coding change: c.32A>G on transcript NM_004183.4 (MANE Select); coding-DNA position 32, A replaced by G.
Protein change: p.Asn11Ser; replaces asparagine 11 with serine.
Molecular consequence: missense variant. On other transcripts: non-coding transcript variant (1), intron variant (6).
Genome position (GRCh38, 1-based): chr11:61,951,838, A>G. VCF-style: chr11-61951838-A-G. GRCh37 (hg19) VCF-style: chr11-61719310-A-G.
Other names: c.32A>G, p.Asn11Ser (NM_001363592.2, NM_001440571.1, NM_001440572.1 and 1 more transcripts); c.-29+1411A>G (NM_001139443.3, NM_001300787.2, NM_001440574.1 and 3 more transcripts); short protein forms N11S.
Identifiers: ClinVar variation 1492954 (VCV001492954.7), dbSNP rs281865208, ClinGen allele CA6040660.
Genomic context (GRCh38, chr11:61,951,838, plus strand): 5'-GCCCACCTGCTGCAGCCCACTGCCTGGCCATGACCATCACTTACACAAGCCAAGTGGCTA[A>G]TGCCCGCTTAGGCTCCTTCTCCCGCCTGCTGCTGTGCTGGCGGGGCAGCATCTACAAGCT-3'
Protein context (NP_004174.1, residues 1-21): MTITYTSQVA[Asn11Ser]ARLGSFSRLL